The following is an entry in ClinVar:

NM_000540.3(RYR1):c.8067+1G>A

Gene: RYR1 (ryanodine receptor 1; plus strand). Cytogenetic location: 19q13.2.
Variant type: single nucleotide variant.
Coding change: c.8067+1G>A on transcript NM_000540.3 (MANE Select); the canonical splice donor site of the intron after coding-DNA position 8067, G replaced by A.
Molecular consequence: splice donor variant.
Genome position (GRCh38, 1-based): chr19:38,504,361, G>A. VCF-style: chr19-38504361-G-A. GRCh37 (hg19) VCF-style: chr19-38995001-G-A.
Other names: c.8067+1G>A (NM_001042723.2).
Identifiers: ClinVar variation 3006003 (VCV003006003.4), dbSNP rs2514351792, ClinGen allele CA405676275.

ClinVar aggregate classification (germline): Conflicting classifications of pathogenicity. Review status: criteria provided, conflicting classifications (1 of 4 stars). 2 submissions from 2 submitters: Likely pathogenic (1); Uncertain significance (1). Last evaluated 2023-06-08.

Conditions:
Malignant hyperthermia, susceptibility to, 1 (MHS1). Also called: Anesthesia related hyperthermia; Malignant hyperpyrexia; Fulminating hyperpyrexia; Pharmacogenic myopathy; RYR1-Related Malignant Hyperthermia Susceptibility; Malignant hyperthermia suceptibility 1. Identifiers: Orphanet 423, MedGen C2930980, MONDO:0007783, OMIM 145600.
RYR1-related disorder. Also called: RYR1-related condition; RYR1-related disorders. Identifiers: MedGen CN239331.

gnomAD v4.1: 1 of 1,614,016 alleles (0.000062%); highest among the groups gnomAD compares: Non-Finnish European, 0.000085%; no homozygotes.

Submissions (2):

All of Us Research Program, National Institutes of Health
Classification: Uncertain significance for Malignant hyperthermia, susceptibility to, 1. Last evaluated: 2023-06-08. Review status: criteria provided, single submitter. Criteria: ACMG Guidelines, 2015. Collection method: clinical testing. Allele origin: germline. Inheritance: Autosomal dominant inheritance. Observed: 1 variant allele, 1 heterozygote.
Comment: This pathogenicity assessment is for autosomal dominant malignant hyperthermia susceptibility phenotype. This canonical splice site variant is predicted to result in an absent RYR1 protein product. Loss of RYR1 function due to haploinsufficiency is associated with congenital myopathy, but it is not an established disease mechanism for autosomal dominant malignant hyperthermia susceptibility. Therefore, this variant is classified as a Variant of Uncertain Significance for malignant hyperthermia susceptibility.

This study involves interpretation of variants in research participants for the purpose of population health screening. Participant phenotype was not available at the time of variant classification. Additional details can be found in publication PMID: 35346344, PMCID: PMC8962531

Labcorp Genetics (formerly Invitae), Labcorp
Classification: Likely pathogenic for RYR1-related disorder. Last evaluated: 2023-04-07. Review status: criteria provided, single submitter. Criteria: Invitae Variant Classification Sherloc (09022015). Collection method: clinical testing. Allele origin: germline.
Comment: In summary, the currently available evidence indicates that the variant is pathogenic, but additional data are needed to prove that conclusively. Therefore, this variant has been classified as Likely Pathogenic. Algorithms developed to predict the effect of sequence changes on RNA splicing suggest that this variant may disrupt the consensus splice site. This variant has not been reported in the literature in individuals affected with RYR1-related conditions. This variant is not present in population databases (gnomAD no frequency). This sequence change affects a donor splice site in intron 50 of the RYR1 gene. It is expected to disrupt RNA splicing. Variants that disrupt the donor or acceptor splice site typically lead to a loss of protein function (PMID: 16199547), and loss-of-function variants in RYR1 are known to be pathogenic (PMID: 23919265, 25960145, 28818389, 30611313).

Literature cited by the submitters: PubMed 16199547 (cited by Labcorp Genetics (formerly Invitae), Labcorp); PubMed 23919265 (cited by Labcorp Genetics (formerly Invitae), Labcorp); PubMed 25960145 (cited by Labcorp Genetics (formerly Invitae), Labcorp); PubMed 28818389 (cited by Labcorp Genetics (formerly Invitae), Labcorp); PubMed 30611313 (cited by Labcorp Genetics (formerly Invitae), Labcorp).